The following is an entry in ClinVar:

ClinVar aggregate classification (germline): Uncertain significance. Review status: criteria provided, multiple submitters, no conflicts (2 of 4 stars). 2 submissions from 2 submitters: Uncertain significance (2). Last evaluated 2025-03-09.

Conditions:
Colorectal cancer, hereditary nonpolyposis, type 7. Identifiers: Orphanet 144, MedGen C1858380, MONDO:0013725, OMIM 614385.

Submissions (2):

Labcorp Genetics (formerly Invitae), Labcorp
Classification: Uncertain significance for Colorectal cancer, hereditary nonpolyposis, type 7. Last evaluated: 2025-03-09. Review status: criteria provided, single submitter. Criteria: Invitae Variant Classification Sherloc (09022015). Collection method: clinical testing. Allele origin: germline.
Comment: This sequence change replaces methionine, which is neutral and non-polar, with leucine, which is neutral and non-polar, at codon 892 of the MLH3 protein (p.Met892Leu). Information on the frequency of this variant in the gnomAD database is not available, as this variant may be reported differently in the database. This variant has not been reported in the literature in individuals affected with MLH3-related conditions. ClinVar contains an entry for this variant (Variation ID: 2497093). Experimental studies and prediction algorithms are not available or were not evaluated, and the functional significance of this variant is currently unknown. In summary, the available evidence is currently insufficient to determine the role of this variant in disease. Therefore, it has been classified as a Variant of Uncertain Significance.

Ambry Genetics
Classification: Uncertain significance. Last evaluated: 2023-02-14. Review status: criteria provided, single submitter. Criteria: Ambry Variant Classification Scheme 2023. Collection method: clinical testing. Allele origin: germline.
Comment: The c.2673_2674delGAinsAT variant (also known as p.M892L), located in coding exon 1 of the MLH3 gene, results from an in-frame deletion of GA and insertion of AT at nucleotide positions 2673 to 2674. This results in the substitution of the methionine residue for a leucine residue at codon 892, an amino acid with highly similar properties. This amino acid position is not well conserved in available vertebrate species. In addition, this alteration is predicted to be neutral by in silico analysis (Choi Y et al. PLoS ONE. 2012; 7(10):e46688). The evidence for this gene-disease relationship is limited; therefore, the clinical significance of this alteration is unclear.

NM_001040108.2(MLH3):c.2673_2674delinsAT (p.Met892Leu)

Gene: MLH3 (mutL homolog 3; minus strand). Cytogenetic location: 14q24.3.
Variant type: Indel.
Coding change: c.2673_2674delinsAT on transcript NM_001040108.2 (MANE Select); coding-DNA positions 2673 to 2674, GA replaced by AT.
Protein change: p.Met892Leu; replaces methionine 892 with leucine.
Molecular consequence: missense variant.
Genome position (GRCh38, 1-based): chr14:75,046,982-75,046,983, TC replaced by AT on the plus strand (GA replaced by AT on the coding strand, the reverse complement: MLH3 is on the minus strand). VCF-style: chr14-75046982-TC-AT. GRCh37 (hg19) VCF-style: chr14-75513685-TC-AT.
Other names: c.2673_2674delinsAT, p.Met892Leu (NM_014381.3); short protein forms M892L.
Identifiers: ClinVar variation 2497093 (VCV002497093.4), dbSNP rs2503264124, ClinGen allele CA2580088766.